The following is an entry in ClinVar:

NM_001278116.2(L1CAM):c.751C>G (p.His251Asp)

Gene: L1CAM (L1 cell adhesion molecule; minus strand). Cytogenetic location: Xq28.
Variant type: single nucleotide variant.
Coding change: c.751C>G on transcript NM_001278116.2 (MANE Select); coding-DNA position 751, C replaced by G.
Protein change: p.His251Asp; replaces histidine 251 with aspartic acid.
Molecular consequence: missense variant.
Genome position (GRCh38, 1-based): chrX:153,870,443, G>C on the plus strand (C>G on the coding strand, the complement: L1CAM is on the minus strand). VCF-style: chrX-153870443-G-C. GRCh37 (hg19) VCF-style: chrX-153135898-G-C.
Other names: c.751C>G, p.His251Asp (NM_000425.5, NM_024003.3); c.736C>G, p.His246Asp (NM_001143963.2); c.751C>G (NM_000425.3); short protein forms H246D, H251D.
Identifiers: ClinVar variation 2796121 (VCV002796121.4), dbSNP rs2521020237, ClinGen allele CA415133246.
Genomic context (GRCh38, chrX:153,870,443, plus strand): 5'-CTCACAAGCCCTCGGCGATGCACTCCAGGACCAATGGCTGCCCCTGCAAGGCCACCAGGT[G>C]GCTGCTGGAGTTGGTGGGGAAGAGCAGGCGCGGCTTCCTGTCAATCATGCTGTTGGCTGC-3'
Protein context (NP_001265045.1, residues 241-261): RLLFPTNSSS[His251Asp]LVALQGQPLV

ClinVar aggregate classification (germline): Uncertain significance. Review status: criteria provided, multiple submitters, no conflicts (2 of 4 stars). 3 submissions from 3 submitters: Uncertain significance (3). Last evaluated 2026-08-06.

Conditions:
Inborn genetic diseases. Identifiers: MedGen C0950123, MeSH D030342.
X-linked hydrocephalus syndrome (HYCX). Also called: HYDROCEPHALUS, CONGENITAL, X-LINKED; AQUEDUCTAL STENOSIS, X-LINKED; X-Linked Hydrocephalus with Stenosis of the Aqueduct of Sylvius; X-linked hydrocephalus; X-Linked Hydrocephalus with Stenosis of the Aqueduct of Sylvius (HSAS). Identifiers: Orphanet 2182, MedGen C0265216, MONDO:0010611, OMIM 307000.
Spastic paraplegia. Identifiers: MedGen C0037772, HP:0001258.

Submissions (3):

OLLIN Analises Genomicas, OLLIN
Classification: Uncertain significance for X-linked hydrocephalus syndrome. Last evaluated: 2026-08-06. Review status: criteria provided, single submitter. Criteria: ACMG Guidelines 2015 PMID 25741868. Collection method: clinical testing. Allele origin: germline. Inheritance: X-linked inheritance.
Comment: This missense variant, located in exon 8 (of 29), has been reported in ClinVar (accession VCV002796121.3) and in gnomAD with an allele frequency of 0.000083%. However, to our knowledge, it has not been reported in the scientific literature. In silico analysis predicts that this variant has a tolerated effect. According to the currently available evidence, this variant has been classified as uncertain significance (PM2_P, BP4_M).

Ambry Genetics
Classification: Uncertain significance for Inborn genetic diseases. Last evaluated: 2026-04-14. Review status: criteria provided, single submitter. Criteria: Ambry Variant Classification Scheme 2023. Collection method: clinical testing. Allele origin: germline.

Labcorp Genetics (formerly Invitae), Labcorp
Classification: Uncertain significance for Spastic paraplegia. Last evaluated: 2023-05-23. Review status: criteria provided, single submitter. Criteria: Invitae Variant Classification Sherloc (09022015). Collection method: clinical testing. Allele origin: germline.
Comment: In summary, the available evidence is currently insufficient to determine the role of this variant in disease. Therefore, it has been classified as a Variant of Uncertain Significance. Advanced modeling of protein sequence and biophysical properties (such as structural, functional, and spatial information, amino acid conservation, physicochemical variation, residue mobility, and thermodynamic stability) performed at Invitae indicates that this missense variant is not expected to disrupt L1CAM protein function. This variant has not been reported in the literature in individuals affected with L1CAM-related conditions. This variant is not present in population databases (gnomAD no frequency). This sequence change replaces histidine, which is basic and polar, with aspartic acid, which is acidic and polar, at codon 251 of the L1CAM protein (p.His251Asp).